The following is an entry in ClinVar:

NM_001875.5(CPS1):c.2884T>C (p.Tyr962His)

Gene: CPS1 (carbamoyl-phosphate synthase 1; plus strand). Cytogenetic location: 2q34.
Variant type: single nucleotide variant.
Coding change: c.2884T>C on transcript NM_001875.5 (MANE Select); coding-DNA position 2884, T replaced by C.
Protein change: p.Tyr962His; replaces tyrosine 962 with histidine.
Molecular consequence: missense variant. On other transcripts: non-coding transcript variant (2).
Genome position (GRCh38, 1-based): chr2:210,639,204, T>C. VCF-style: chr2-210639204-T-C. GRCh37 (hg19) VCF-style: chr2-211503928-T-C.
Other names: c.2884T>C, p.Tyr962His (NM_001122633.3, NM_001369257.1); c.2917T>C, p.Tyr973His (NM_001369256.1); short protein forms Y962H, Y973H.
Identifiers: ClinVar variation 1037170 (VCV001037170.8), dbSNP rs1700131234, ClinGen allele CA350431973.

ClinVar aggregate classification (germline): Uncertain significance (1 of 4 stars; one submission).

Conditions:
Congenital hyperammonemia, type I. Also called: Carbamoyl-phosphate synthase I deficiency; Carbamoyl phosphate synthetase I deficiency disease; CPS I DEFICIENCY; Carbamoyl phosphate synthetase 1 deficiency; Hyperammonemia due to carbamoyl phosphate synthetase 1 deficiency; CPS 1 deficiency. Identifiers: Orphanet 147, MedGen C4082171, MONDO:0009376, OMIM 237300.

Submission:

Labcorp Genetics (formerly Invitae), Labcorp
Classification: Uncertain significance for Congenital hyperammonemia, type I. Last evaluated: 2020-04-06. Review status: criteria provided, single submitter. Criteria: Invitae Variant Classification Sherloc (09022015). Collection method: clinical testing. Allele origin: germline.
Comment: In summary, the available evidence is currently insufficient to determine the role of this variant in disease. Therefore, it has been classified as a Variant of Uncertain Significance. Algorithms developed to predict the effect of missense changes on protein structure and function are either unavailable or do not agree on the potential impact of this missense change (SIFT: "Deleterious"; PolyPhen-2: "Probably Damaging"; Align-GVGD: "Class C0"). This variant has not been reported in the literature in individuals with CPS1-related conditions. This variant is not present in population databases (ExAC no frequency). This sequence change replaces tyrosine with histidine at codon 962 of the CPS1 protein (p.Tyr962His). The tyrosine residue is highly conserved and there is a moderate physicochemical difference between tyrosine and histidine.